The following is an entry in ClinVar:

NM_000330.4(RS1):c.629T>G (p.Ile210Ser)

Genes: CDKL5 (cyclin dependent kinase like 5; plus strand), RS1 (retinoschisin 1; minus strand). Cytogenetic location: Xp22.13.
Variant type: single nucleotide variant.
Coding change: c.629T>G on transcript NM_000330.4 (MANE Select); coding-DNA position 629, T replaced by G.
Protein change: p.Ile210Ser; replaces isoleucine 210 with serine.
Molecular consequence: missense variant. On other transcripts: intron variant (2).
Genome position (GRCh38, 1-based): chrX:18,642,050, A>C on the plus strand (T>G on the coding strand, the complement: RS1 is on the minus strand). VCF-style: chrX-18642050-A-C. GRCh37 (hg19) VCF-style: chrX-18660170-A-C.
Other names: c.2714-3957A>C (NM_003159.3, NM_001037343.2); short protein forms I210S.
Identifiers: ClinVar variation 2172651 (VCV002172651.3), dbSNP rs757697856, ClinGen allele CA10360597.

ClinVar aggregate classification (germline): Conflicting classifications of pathogenicity. Review status: criteria provided, conflicting classifications (1 of 4 stars). 3 submissions from 3 submitters: Likely pathogenic (1); Uncertain significance (2). Last evaluated 2025-12-30.

Conditions:
Juvenile retinoschisis (RS1). Also called: X-linked retinoschisis; X-Linked Juvenile Retinoschisis. Identifiers: Orphanet 792, MedGen C3714753, MONDO:0010725, OMIM 312700.

gnomAD v4.1: 9 of 1,211,504 alleles (0.00074%); highest among the groups gnomAD compares: Admixed American, 0.02%; no homozygotes.

Submissions (3):

Labcorp Genetics (formerly Invitae), Labcorp
Classification: Uncertain significance. Last evaluated: 2025-12-30. Review status: criteria provided, single submitter. Criteria: Invitae Variant Classification Sherloc (09022015). Collection method: clinical testing. Allele origin: germline.
Comment: This sequence change replaces isoleucine, which is neutral and non-polar, with serine, which is neutral and polar, at codon 210 of the RS1 protein (p.Ile210Ser). This variant is present in population databases (rs757697856, gnomAD 0.02%). This variant has not been reported in the literature in individuals affected with RS1-related conditions. ClinVar contains an entry for this variant (Variation ID: 2172651). Invitae Evidence Modeling of protein sequence and biophysical properties (such as structural, functional, and spatial information, amino acid conservation, physicochemical variation, residue mobility, and thermodynamic stability) indicates that this missense variant is expected to disrupt RS1 protein function with a positive predictive value of 95%. In summary, the available evidence is currently insufficient to determine the role of this variant in disease. Therefore, it has been classified as a Variant of Uncertain Significance.

3billion
Classification: Likely pathogenic for Juvenile retinoschisis. Last evaluated: 2023-07-26. Review status: criteria provided, single submitter. Criteria: ACMG Guidelines, 2015. Collection method: clinical testing. Allele origin: germline. Affected: yes.
Comment: The variant is observed at an extremely low frequency in the gnomAD v2.1.1 dataset (total allele frequency: 0.004%). Predicted Consequence/Location: The variant is located in a mutational hot spot and/or well-established functional domain in which established pathogenic variants have been reported. In silico tool predictions suggest damaging effect of the variant on gene or gene product (REVEL: 0.92; 3Cnet: 0.97). A different missense change at the same codon (p.Ile210Asn) has been reported to be associated with RS1 related disorder (ClinVar ID: VCV001036724). Therefore, this variant is classified as Likely pathogenic according to the recommendation of ACMG/AMP guideline.

Blueprint Genetics
Classification: Uncertain significance. Last evaluated: 2019-08-23. Review status: criteria provided, single submitter. Criteria: ACMG Guidelines, 2015. Collection method: clinical testing. Allele origin: germline.